The following is an entry in ClinVar:

NM_001366385.1(CARD14):c.16C>T (p.Arg6Cys)

Gene: CARD14 (caspase recruitment domain family member 14; plus strand). Cytogenetic location: 17q25.3.
Variant type: single nucleotide variant.
Coding change: c.16C>T on transcript NM_001366385.1 (MANE Select); coding-DNA position 16, C replaced by T.
Protein change: p.Arg6Cys; replaces arginine 6 with cysteine.
Molecular consequence: missense variant. On other transcripts: non-coding transcript variant (1).
Genome position (GRCh38, 1-based): chr17:80,181,454, C>T. VCF-style: chr17-80181454-C-T. GRCh37 (hg19) VCF-style: chr17-78155253-C-T.
Other names: p.Arg6Cys; c.16C>T (NM_024110.3); c.16C>T, p.Arg6Cys (NM_001257970.1, NM_024110.4); short protein forms R6C.
Identifiers: ClinVar variation 840109 (VCV000840109.15), dbSNP rs559363898, ClinGen allele CA8816319.

ClinVar aggregate classification (germline): Conflicting classifications of pathogenicity. Review status: criteria provided, conflicting classifications (1 of 4 stars). 4 submissions from 4 submitters: Uncertain significance (3); Likely benign (1). Last evaluated 2026-01-06.

Conditions:
Inborn genetic diseases. Identifiers: MedGen C0950123, MeSH D030342.
Autoinflammatory syndrome. Identifiers: Orphanet 93665, MedGen C3890737, MONDO:0019751.
Pityriasis rubra pilaris (PRP). Also called: Pityriasis rubra pilaris--familial type. Identifiers: Orphanet 2897, MedGen C0032027, MONDO:0100017, OMIM 173200, MONDO:0008251.
Psoriasis 2. Identifiers: MedGen C1864497, MONDO:0011269, OMIM 602723.

Allele frequency attached by ClinVar (database versions not stated): ExAC 0.00004; gnomAD exomes 0.00005 and 0.00006; TOPMed 0.00019; 1000 Genomes Project 0.00020; gnomAD 0.00027; 1000 Genomes Project 30x 0.00031.
gnomAD v4.1: 116 of 1,573,302 alleles (0.0074%); highest among the groups gnomAD compares: Admixed American, 0.091%; no homozygotes.

Submissions (4):

Labcorp Genetics (formerly Invitae), Labcorp
Classification: Likely benign for Pityriasis rubra pilaris; Psoriasis 2. Last evaluated: 2026-01-06. Review status: criteria provided, single submitter. Criteria: Invitae Variant Classification Sherloc (09022015). Collection method: clinical testing. Allele origin: germline.

Ambry Genetics
Classification: Uncertain significance for Inborn genetic diseases. Last evaluated: 2024-10-01. Review status: criteria provided, single submitter. Criteria: Ambry Variant Classification Scheme 2023. Collection method: clinical testing. Allele origin: germline.

Mayo Clinic Laboratories, Mayo Clinic
Classification: Uncertain significance. Last evaluated: 2022-08-08. Review status: criteria provided, single submitter. Criteria: ACMG Guidelines, 2015. Collection method: clinical testing. Allele origin: germline. Observed: 1 variant allele.
Comment: BP4

Genome Diagnostics Laboratory, The Hospital for Sick Children
Classification: Uncertain significance for Autoinflammatory syndrome. Last evaluated: 2022-01-24. Review status: criteria provided, single submitter. Criteria: ACMG Guidelines, 2015. Collection method: clinical testing. Allele origin: germline. Affected: yes.